The following is an entry in ClinVar:

ClinVar aggregate classification (germline): Uncertain significance (0 of 4 stars; one submission).

Conditions:
TBX3-related disorder. Also called: TBX3-related condition.

Submission:

PreventionGenetics, part of Exact Sciences
Classification: Uncertain significance for TBX3-related condition. Last evaluated: 2024-03-09. Review status: no assertion criteria provided. Collection method: clinical testing. Allele origin: germline.
Comment: The TBX3 c.2029C>A variant is predicted to result in the amino acid substitution p.Leu677Met. To our knowledge, this variant has not been reported in the literature or in a large population database, indicating this variant is rare. At this time, the clinical significance of this variant is uncertain due to the absence of conclusive functional and genetic evidence.

NM_005996.4(TBX3):c.1969C>A (p.Leu657Met)

Gene: TBX3 (T-box transcription factor 3; minus strand). Cytogenetic location: 12q24.21.
Variant type: single nucleotide variant.
Coding change: c.1969C>A on transcript NM_005996.4 (MANE Select); coding-DNA position 1969, C replaced by A.
Protein change: p.Leu657Met; replaces leucine 657 with methionine.
Molecular consequence: missense variant.
Genome position (GRCh38, 1-based): chr12:114,672,044, G>T on the plus strand (C>A on the coding strand, the complement: TBX3 is on the minus strand). VCF-style: chr12-114672044-G-T. GRCh37 (hg19) VCF-style: chr12-115109849-G-T.
Other names: c.2029C>A, p.Leu677Met (NM_016569.4); short protein forms L657M, L677M.
Identifiers: ClinVar variation 3351211 (VCV003351211.1).